The following is an entry in ClinVar:

NM_004608.4(TBX6):c.700G>C (p.Gly234Arg)

Gene: TBX6 (T-box transcription factor 6; minus strand). Cytogenetic location: 16p11.2.
Variant type: single nucleotide variant.
Coding change: c.700G>C on transcript NM_004608.4 (MANE Select); coding-DNA position 700, G replaced by C.
Protein change: p.Gly234Arg; replaces glycine 234 with arginine.
Molecular consequence: missense variant.
Genome position (GRCh38, 1-based): chr16:30,088,761, C>G on the plus strand (G>C on the coding strand, the complement: TBX6 is on the minus strand). VCF-style: chr16-30088761-C-G. GRCh37 (hg19) VCF-style: chr16-30100082-C-G.
Other names: short protein forms G234R.
Identifiers: ClinVar variation 694408 (VCV000694408.3), dbSNP rs376817900, ClinGen allele CA8001838.

ClinVar aggregate classification (germline): Uncertain significance. Review status: criteria provided, multiple submitters, no conflicts (2 of 4 stars). 2 submissions from 2 submitters: Uncertain significance (2). Last evaluated 2025-03-06.

Conditions:
Scoliosis. Identifiers: MedGen C0036439, MONDO:0005392, HP:0002650.

Allele frequency attached by ClinVar (database versions not stated): ExAC 0.00003; TOPMed 0.00004; gnomAD exomes 0.00004; ESP Exome Variant Server 0.00008.
gnomAD v4.1: 64 of 1,613,932 alleles (0.004%); highest among the groups gnomAD compares: Non-Finnish European, 0.0042%; no homozygotes.

Submissions (2):

Labcorp Genetics (formerly Invitae), Labcorp
Classification: Uncertain significance. Last evaluated: 2025-03-06. Review status: criteria provided, single submitter. Criteria: Invitae Variant Classification Sherloc (09022015). Collection method: clinical testing. Allele origin: germline.
Comment: This sequence change replaces glycine, which is neutral and non-polar, with arginine, which is basic and polar, at codon 234 of the TBX6 protein (p.Gly234Arg). This variant is present in population databases (rs376817900, gnomAD 0.01%). This missense change has been observed in individual(s) with TBX6-related conditions (PMID: 25564734). ClinVar contains an entry for this variant (Variation ID: 694408). Invitae Evidence Modeling of protein sequence and biophysical properties (such as structural, functional, and spatial information, amino acid conservation, physicochemical variation, residue mobility, and thermodynamic stability) indicates that this missense variant is not expected to disrupt TBX6 protein function with a negative predictive value of 80%. Experimental studies have shown that this missense change does not substantially affect TBX6 function (PMID: 31471994). In summary, the available evidence is currently insufficient to determine the role of this variant in disease. Therefore, it has been classified as a Variant of Uncertain Significance.

Beijing Key Laboratory for Genetic Research of Skeletal Deformity, Peking Union Medical College Hospital
Classification: Uncertain significance for scoliosis. Last evaluated: 2019-08-01. Review status: criteria provided, single submitter. Criteria: ACMG Guidelines, 2015. Collection method: research. Allele origin: germline. Affected: yes. Observed: 1 variant allele.
Comment: This variant may contribute to congenital scoliosis development

Literature cited by the submitters: PubMed 25564734 (cited by Labcorp Genetics (formerly Invitae), Labcorp and Beijing Key Laboratory for Genetic Research of Skeletal Deformity, Peking Union Medical College Hospital); PubMed 31471994 (cited by Labcorp Genetics (formerly Invitae), Labcorp).